The following is an entry in ClinVar:

NM_006901.4(MYO9A):c.6326T>C (p.Leu2109Pro)

Gene: MYO9A (myosin IXA; minus strand). Cytogenetic location: 15q23.
Variant type: single nucleotide variant.
Coding change: c.6326T>C on transcript NM_006901.4 (MANE Select); coding-DNA position 6326, T replaced by C.
Protein change: p.Leu2109Pro; replaces leucine 2109 with proline.
Molecular consequence: missense variant.
Genome position (GRCh38, 1-based): chr15:71,854,397, A>G on the plus strand (T>C on the coding strand, the complement: MYO9A is on the minus strand). VCF-style: chr15-71854397-A-G. GRCh37 (hg19) VCF-style: chr15-72146738-A-G.
Other names: short protein forms L2109P.
Identifiers: ClinVar variation 4813084 (VCV004813084.1).
Genomic context (GRCh38, chr15:71,854,397, plus strand): 5'-ATAAAAGTATTTCATTATGATTTAGAGGGCACTATCTTACCTGTATCTAGACCCTGCCGA[A>G]GCTCCTTGATTTTATTAGTCGAACCAGACTTTCGATAAATACCTTCTGTATACAGTCCAT-3'
Protein context (NP_008832.2, residues 2099-2119): KSGSTNKIKE[Leu2109Pro]RQGLDTDAES

ClinVar aggregate classification (germline): Uncertain significance (1 of 4 stars; one submission).

Conditions:
Congenital portosystemic shunt. Identifiers: Orphanet 480531, MedGen C1290495, MONDO:0018811.

Submission:

Department of Pediatrics, Graduate School of Medical Sciences, Kyushu University
Classification: Uncertain significance for Congenital portosystemic shunt. Last evaluated: 2026-02-27. Review status: criteria provided, single submitter. Criteria: ACMG Guidelines, 2015. Collection method: research. Allele origin: germline. Affected: yes.
Comment: Both variants are rare or absent in population databases such as gnomAD, and in silico prediction tools including CADD suggest potential deleterious effects. However, the relationship between this gene and CPSS has not been established. Therefore, the clinical significance of this variant is currently classified as a variant of uncertain significance (VUS).